The following is an entry in ClinVar:

ClinVar aggregate classification (germline): Benign. Review status: criteria provided, multiple submitters, no conflicts (2 of 4 stars). 2 submissions from 2 submitters: Benign (2). Last evaluated 2018-06-18.

Allele frequency attached by ClinVar (database versions not stated): TOPMed 0.37237; 1000 Genomes Project 0.39137; 1000 Genomes Project 30x 0.39647.
gnomAD v4.1: 331,350 of 1,447,390 alleles (23%); highest among the groups gnomAD compares: African/African-American, 71%; 48,031 homozygotes.

Submissions (2):

GeneDx
Classification: Benign. Last evaluated: 2018-06-18. Review status: criteria provided, single submitter. Criteria: GeneDx Variant Classification (06012015). Collection method: clinical testing. Allele origin: germline. Affected: yes.
Comment: This variant is considered likely benign or benign based on one or more of the following criteria: it is a conservative change, it occurs at a poorly conserved position in the protein, it is predicted to be benign by multiple in silico algorithms, and/or has population frequency not consistent with disease.

Breakthrough Genomics
Classification: Benign. Review status: criteria provided, single submitter. Criteria: ACMG Guidelines, 2015. Collection method: not provided. Allele origin: germline. Inheritance: Autosomal dominant inheritance. Affected: yes.

NM_001376.5(DYNC1H1):c.2719-107C>A

Gene: DYNC1H1 (dynein cytoplasmic 1 heavy chain 1; plus strand). Cytogenetic location: 14q32.31.
Variant type: single nucleotide variant.
Coding change: c.2719-107C>A on transcript NM_001376.5 (MANE Select); 107 bases into the intron before coding-DNA position 2719, C replaced by A.
Molecular consequence: intron variant.
Genome position (GRCh38, 1-based): chr14:101,988,596, C>A. VCF-style: chr14-101988596-C-A. GRCh37 (hg19) VCF-style: chr14-102454933-C-A.
Identifiers: ClinVar variation 674054 (VCV000674054.2), dbSNP rs4906172, ClinGen allele CA15802373.